The following is an entry in ClinVar:

ClinVar aggregate classification (germline): Benign (1 of 4 stars; one submission).

Allele frequency attached by ClinVar (database versions not stated): 1000 Genomes Project 0.03934; gnomAD 0.04177 and 0.04377; 1000 Genomes Project 30x 0.04185; TOPMed 0.04306.
gnomAD v4.1: 6,322 of 152,282 alleles (4.2%); highest among the groups gnomAD compares: African/African-American, 8.7%; 184 homozygotes.

Submission:

GeneDx
Classification: Benign. Last evaluated: 2018-06-14. Review status: criteria provided, single submitter. Criteria: GeneDx Variant Classification (06012015). Collection method: clinical testing. Allele origin: germline. Affected: yes.
Comment: This variant is considered likely benign or benign based on one or more of the following criteria: it is a conservative change, it occurs at a poorly conserved position in the protein, it is predicted to be benign by multiple in silico algorithms, and/or has population frequency not consistent with disease.

NM_000093.5(COL5A1):c.4554+263G>A

Genes: COL5A1 (collagen type V alpha 1 chain; plus strand), LOC101448202 (uncharacterized LOC101448202; minus strand). Cytogenetic location: 9q34.3.
Variant type: single nucleotide variant.
Coding change: c.4554+263G>A on transcript NM_000093.5 (MANE Select); 263 bases into the intron after coding-DNA position 4554, G replaced by A.
Molecular consequence: intron variant.
Genome position (GRCh38, 1-based): chr9:134,820,486, G>A. VCF-style: chr9-134820486-G-A. GRCh37 (hg19) VCF-style: chr9-137712332-G-A.
Other names: c.4554+263G>A (NM_001278074.1).
Identifiers: ClinVar variation 683388 (VCV000683388.1), dbSNP rs55768823, ClinGen allele CA13040927.